The following is an entry in ClinVar:

ClinVar aggregate classification (germline): Conflicting classifications of pathogenicity. Review status: criteria provided, conflicting classifications (1 of 4 stars). 11 submissions from 11 submitters: Uncertain significance (4); Benign (1); Likely benign (4). 2 of the submissions do not count toward it. Last evaluated 2025-10-28.

Conditions:
Hereditary cancer-predisposing syndrome. Also called: Tumor predisposition; Hereditary neoplastic syndrome; Hereditary Cancer Syndrome; Neoplastic Syndromes, Hereditary. Identifiers: Orphanet 140162, MedGen C0027672, MeSH D009386, MONDO:0015356.
Hereditary breast ovarian cancer syndrome. Also called: Hereditary breast and/or ovarian cancer syndrome; Breast and ovarian cancer; Hereditary breast and ovarian cancer syndrome; Hereditary breast and ovarian cancer; Hereditary breast and ovarian cancer syndrome (HBOC); BRCA1- and BRCA2-Associated Hereditary Breast and Ovarian Cancer. Identifiers: Orphanet 145, MedGen C0677776, MeSH D061325, MONDO:0003582. Disease mechanism: loss of function.
Breast-ovarian cancer, familial, susceptibility to, 1 (BROVCA1). Also called: BRCA1 Hereditary Breast and Ovarian Cancer; OVARIAN CANCER, SUSCEPTIBILITY TO. Identifiers: Orphanet 145, MedGen C2676676, MONDO:0011450, OMIM 604370. Disease mechanism: loss of function.
Carcinoma of colon (CRC). Also called: Colonic carcinoma; Colon carcinoma. Identifiers: MedGen C0699790, MONDO:0002032.

Allele frequency attached by ClinVar (database versions not stated): gnomAD exomes 0.00003 and 0.00002; 1000 Genomes Project 0.00020; 1000 Genomes Project 30x 0.00047; gnomAD below 0.00001 and 0.00003; TOPMed below 0.00001; ExAC 0.00002.
gnomAD v4.1: 29 of 1,614,202 alleles (0.0018%); highest among the groups gnomAD compares: South Asian, 0.032%; no homozygotes.

Submissions (11):

Labcorp Genetics (formerly Invitae), Labcorp
Classification: Benign for Hereditary breast ovarian cancer syndrome. Last evaluated: 2025-10-28. Review status: criteria provided, single submitter. Criteria: Invitae Variant Classification Sherloc (09022015). Collection method: clinical testing. Allele origin: germline.

Quest Diagnostics Nichols Institute San Juan Capistrano
Classification: Uncertain significance. Last evaluated: 2025-03-10. Review status: criteria provided, single submitter. Criteria: Quest Diagnostics criteria. Collection method: clinical testing. Allele origin: unknown.
Comment: The BRCA1 c.3776A>C (p.Asn1259Thr) variant has been reported in the published literature in an individual with breast cancer (PMID: 33471991 (2021), see LOVD), and in an individual with a family history of pancreatic cancer (PMID: 33939675 (2021)). This variant has also been described to be located in a region of the BRCA1 gene that is tolerant to missense sequence changes (PMID: 31911673 (2020)). The frequency of this variant in the general population (Genome Aggregation Database) is higher than would generally be expected for pathogenic variants in this gene. Analysis of this variant using bioinformatics tools for the prediction of the effect of amino acid changes on protein structure and function yielded predictions that this variant is benign. Based on the available information, we are unable to determine the clinical significance of this variant.

Center for Genomic Medicine, Rigshospitalet, Copenhagen University Hospital
Classification: Likely benign. Last evaluated: 2025-03-04. Review status: criteria provided, single submitter. Criteria: ACMG Guidelines, 2015. Collection method: clinical testing. Allele origin: germline.

University of Washington Department of Laboratory Medicine, University of Washington
Classification: Likely benign for Hereditary cancer-predisposing syndrome. Last evaluated: 2023-03-23. Review status: criteria provided, single submitter. Criteria: Dines et al. (Genet Med. 2020). Collection method: curation. Allele origin: germline.
Comment: Missense variant in a coldspot region where missense variants are very unlikely to be pathogenic (PMID:31911673).

BRCA1 coldspot (exon 11 using historical exon numbering). Reclassification based on statistical prior probability

GeneDx
Classification: Uncertain significance. Last evaluated: 2023-01-23. Review status: criteria provided, single submitter. Criteria: GeneDx Variant Classification Process June 2021. Collection method: clinical testing. Allele origin: germline. Affected: yes.
Comment: In silico analysis supports that this missense variant does not alter protein structure/function; Observed in an individual with breast cancer (Dorling et al., 2021); Also known as 3895A>C; This variant is associated with the following publications: (PMID: 31911673, 26295337, 29884841, 32377563, 34157791, 33471991)

Ambry Genetics
Classification: Likely benign for Hereditary cancer-predisposing syndrome. Last evaluated: 2022-07-05. Review status: criteria provided, single submitter. Criteria: Ambry Variant Classification Scheme 2023. Collection method: clinical testing. Allele origin: germline.

Sema4
Classification: Uncertain significance for Hereditary cancer-predisposing syndrome. Last evaluated: 2022-02-16. Review status: criteria provided, single submitter. Criteria: Sema4 Curation Guidelines. Collection method: curation. Allele origin: germline.
Comment: The BRCA1 c.3776A>C (p.N1259T) variant has been reported in heterozygosity in at least one individual with breast cancer (PMID: 33471991). It was observed in 8/30614 chromosomes of the South Asian subpopulation in the large and broad cohorts of the Genome Aggregation Database (PMID: 32461654). The variant has been reported in ClinVar (Variation ID 125651). Functional studies have not been performed, and in silico predictions of the variant's effect on protein function are inconclusive. The evidence is insufficient to meet ACMG/AMP criteria for classifying the variant as benign or pathogenic. Thus, the clinical significance of this variant is currently uncertain.

Women's Health and Genetics/Laboratory Corporation of America, LabCorp
Classification: Uncertain significance. Last evaluated: 2018-05-21. Review status: criteria provided, single submitter. Criteria: LabCorp Variant Classification Summary - May 2015. Collection method: clinical testing. Allele origin: germline.
Comment: Variant summary: BRCA1 c.3776A>C (p.Asn1259Thr) results in a non-conservative amino acid change in the encoded protein sequence. Four of five in-silico tools predict a benign effect of the variant on protein function. The variant allele was found at a frequency of 3.3e-05 in 245960 control chromosomes (gnomAD). This frequency is not significantly higher than expected for a pathogenic variant in BRCA1 causing Hereditary Breast and Ovarian Cancer (3.3e-05 vs 1.00e-03), allowing no conclusion about variant significance. To our knowledge, no occurrence of c.3776A>C in individuals affected with Hereditary Breast and Ovarian Cancer and no experimental evidence demonstrating its impact on protein function have been reported. Two clinical diagnostic laboratories have submitted clinical-significance assessments for this variant to ClinVar after 2014 without evidence for independent evaluation. One laboratory classified the variant as benign and the other laboratory classified the variant as uncertain significance. Based on the evidence outlined above, the variant was classified as uncertain significance.

Color Diagnostics, LLC DBA Color Health
Classification: Likely benign for Hereditary cancer-predisposing syndrome. Last evaluated: 2017-02-14. Review status: criteria provided, single submitter. Criteria: ACMG Guidelines, 2015. Collection method: clinical testing. Allele origin: germline.

Breast Cancer Information Core (BIC) (BRCA1)
Classification: Uncertain significance for Breast-ovarian cancer, familial 1. Last evaluated: 2013-03-25. Review status: no assertion criteria provided. Collection method: clinical testing. Allele origin: germline. Affected: yes. Observed: 1 variant allele. Not counted in ClinVar's aggregate classification.

Department of Pathology and Laboratory Medicine, Sinai Health System
Classification: Uncertain significance for Carcinoma of colon. Review status: no assertion criteria provided. Collection method: clinical testing. Allele origin: unknown. Affected: yes. Study: The Canadian Open Genetics Repository (COGR). Not counted in ClinVar's aggregate classification.
Comment: The BRCA1 p.Asn1259Thr variant was not identified in the literature nor was it identified in the COGR, Cosmic, MutDB, LOVD 3.0, UMD-LSDB, ARUP Laboratories, or Zhejiang University databases. The variant was identified in dbSNP (ID: rs483353090) as "With Uncertain significance allele", ClinVar (classified as benign by Invitae; as uncertain significance by GeneDx and two other submiters), and in BIC (1x with unknown significance) databases. The variant was identified in control databases in 8 of 245960 chromosomes at a frequency of 0.00003 (Genome Aggregation Database Feb 27, 2017). The variant was observed in the South Asian population in 8 of 30782 chromosomes (freq: 0.0003), while the variant was not observed in the African, Other, Latino, European, Ashkenazi Jewish, East Asian, or Finnish populations. The p.Asn1259 residue is not conserved in mammals and computational analyses (PolyPhen-2, SIFT, AlignGVGD, BLOSUM, MutationTaster) do not suggest a high likelihood of impact to the protein; however, this information is not predictive enough to rule out pathogenicity. The variant occurs outside of the splicing consensus sequence and in silico or computational prediction software programs (SpliceSiteFinder, MaxEntScan, NNSPLICE, GeneSplicer) do not predict a difference in splicing. In summary, based on the above information the clinical significance of this variant cannot be determined with certainty at this time. This variant is classified as a variant of uncertain significance.

Literature cited by the submitters: PubMed 33471991 (cited by Quest Diagnostics Nichols Institute San Juan Capistrano and Sema4); PubMed 31911673 (cited by Quest Diagnostics Nichols Institute San Juan Capistrano); PubMed 33939675 (cited by Quest Diagnostics Nichols Institute San Juan Capistrano); PubMed 26295337 (cited by Quest Diagnostics Nichols Institute San Juan Capistrano).

NM_007294.4(BRCA1):c.3776A>C (p.Asn1259Thr)

Genes: BRCA1 (BRCA1 DNA repair associated; minus strand), LOC126862571 (BRD4-independent group 4 enhancer GRCh37_chr17:41243136-41244335; plus strand). Cytogenetic location: 17q21.31.
Variant type: single nucleotide variant.
Coding change: c.3776A>C on transcript NM_007294.4 (MANE Select); coding-DNA position 3776, A replaced by C.
Protein change: p.Asn1259Thr; replaces asparagine 1259 with threonine.
Molecular consequence: missense variant. On other transcripts: intron variant (135).
Genome position (GRCh38, 1-based): chr17:43,091,755, T>G on the plus strand (A>C on the coding strand, the complement: BRCA1 is on the minus strand). VCF-style: chr17-43091755-T-G. GRCh37 (hg19) VCF-style: chr17-41243772-T-G.
Other names: p.N1259T:AAT>ACT; c.3635A>C, p.Asn1212Thr (NM_001407739.1, NM_001407750.1, NM_001407751.1 and 29 more transcripts); c.3632A>C, p.Asn1211Thr (NM_001407740.1, NM_001407741.1, NM_001407742.1 and 20 more transcripts); c.3563A>C, p.Asn1188Thr (NM_001407853.1, NM_001407894.1, NM_001407895.1 and 9 more transcripts); c.3776A>C, p.Asn1259Thr (NM_001407854.1, NM_001407858.1, NM_001407859.1 and 30 more transcripts); c.3773A>C, p.Asn1258Thr (NM_001407860.1, NM_001407861.1, NM_001407587.1 and 22 more transcripts); c.3575A>C, p.Asn1192Thr (NM_001407862.1); c.3653A>C, p.Asn1218Thr (NM_001407863.1, NM_001407919.1, NM_001407937.1 and 19 more transcripts); and 42 more; short protein forms N1259T, N1212T, N1147T, N1148T, N1171T, N1191T, N1217T, N1233T.
Identifiers: ClinVar variation 125651 (VCV000125651.32), dbSNP rs483353090, ClinGen allele CA002432.